The following is an entry in ClinVar:

ClinVar aggregate classification (germline): Uncertain significance. Review status: criteria provided, multiple submitters, no conflicts (2 of 4 stars). 2 submissions from 2 submitters: Uncertain significance (2). Last evaluated 2025-07-16.

Conditions:
RASopathy. Also called: rasopathies; Noonan spectrum disorder. Identifiers: Orphanet 536391, MedGen C5555857, MONDO:0021060.

Allele frequency attached by ClinVar (database versions not stated): gnomAD exomes below 0.00001; ExAC 0.00001.

Submissions (2):

Labcorp Genetics (formerly Invitae), Labcorp
Classification: Uncertain significance for RASopathy. Last evaluated: 2025-07-16. Review status: criteria provided, single submitter. Criteria: Invitae Variant Classification Sherloc (09022015). Collection method: clinical testing. Allele origin: germline.
Comment: This sequence change replaces proline, which is neutral and non-polar, with serine, which is neutral and polar, at codon 93 of the RAF1 protein (p.Pro93Ser). This variant is present in population databases (rs771199974, gnomAD 0.003%). This variant has not been reported in the literature in individuals affected with RAF1-related conditions. ClinVar contains an entry for this variant (Variation ID: 1382199). Invitae Evidence Modeling incorporating data from in vitro experimental studies (internal data) indicates that this missense variant is not expected to disrupt RAF1 function with a negative predictive value of 80%. In summary, the available evidence is currently insufficient to determine the role of this variant in disease. Therefore, it has been classified as a Variant of Uncertain Significance.

GeneDx
Classification: Uncertain significance. Last evaluated: 2023-10-13. Review status: criteria provided, single submitter. Criteria: GeneDx Variant Classification Process June 2021. Collection method: clinical testing. Allele origin: germline. Affected: yes.
Comment: Missense variants in this gene are a common cause of disease and they are underrepresented in the general population; In silico analysis supports that this missense variant does not alter protein structure/function; Has not been previously published as pathogenic or benign to our knowledge; This variant is associated with the following publications: (PMID: 29493581)

NM_002880.4(RAF1):c.277C>T (p.Pro93Ser)

Gene: RAF1 (Raf-1 proto-oncogene, serine/threonine kinase; minus strand). Cytogenetic location: 3p25.2.
Variant type: single nucleotide variant.
Coding change: c.277C>T on transcript NM_002880.4 (MANE Select); coding-DNA position 277, C replaced by T.
Protein change: p.Pro93Ser; replaces proline 93 with serine.
Molecular consequence: missense variant. On other transcripts: non-coding transcript variant (3), intron variant (4).
Genome position (GRCh38, 1-based): chr3:12,611,993, G>A on the plus strand (C>T on the coding strand, the complement: RAF1 is on the minus strand). VCF-style: chr3-12611993-G-A. GRCh37 (hg19) VCF-style: chr3-12653492-G-A.
Other names: c.78-2658C>T (NM_001354695.3, NM_001354692.3, NM_001354694.3 and 1 more transcripts); c.277C>T (NM_002880.3); c.277C>T, p.Pro93Ser (NM_001354689.3, NM_001354690.3, NM_001354693.3); short protein forms P93S.
Identifiers: ClinVar variation 1382199 (VCV001382199.7), dbSNP rs771199974, ClinGen allele CA2259799.
Genomic context (GRCh38, chr3:12,611,993, plus strand): 5'-GACTTTTGAGCTCTTACCCTTTGTGTTCGTGGAGAAGTCTGAACACTGCACAGCACTCTG[G>A]TTGCAGGCCCCTCACCTTGAGTGCTTTCATAAGGCAGTCATGCAAGCTCATTCCATTTCG-3'
Protein context (NP_002871.1, residues 83-103): MKALKVRGLQ[Pro93Ser]ECCAVFRLLH